The following is an entry in ClinVar:

ClinVar aggregate classification (germline): Likely benign (0 of 4 stars; one submission).

Conditions:
MYH10-related disorder. Also called: MYH10-related condition.

Submission:

PreventionGenetics, part of Exact Sciences
Classification: Likely benign for MYH10-related condition. Last evaluated: 2021-09-16. Review status: no assertion criteria provided. Collection method: clinical testing. Allele origin: germline.
Comment: This variant is classified as likely benign based on ACMG/AMP sequence variant interpretation guidelines (Richards et al. 2015 PMID: 25741868, with internal and published modifications).

NM_001256012.3(MYH10):c.3091-5T>G

Gene: MYH10 (myosin heavy chain 10; minus strand). Cytogenetic location: 17p13.1.
Variant type: single nucleotide variant.
Coding change: c.3091-5T>G on transcript NM_001256012.3 (MANE Select); 5 bases into the intron before coding-DNA position 3091, T replaced by G.
Molecular consequence: intron variant.
Genome position (GRCh38, 1-based): chr17:8,508,682, A>C on the plus strand (T>G on the coding strand, the complement: MYH10 is on the minus strand). VCF-style: chr17-8508682-A-C. GRCh37 (hg19) VCF-style: chr17-8412000-A-C.
Other names: c.3028-5T>G (NM_001375266.1); c.2998-5T>G (NM_005964.5); c.3025-5T>G (NM_001256095.2).
Identifiers: ClinVar variation 3031911 (VCV003031911.2), dbSNP rs2544312030, ClinGen allele CA2576165297.